The following is an entry in ClinVar:

NM_001282531.3(ADNP):c.1676A>T (p.His559Leu)

Gene: ADNP (activity dependent neuroprotector homeobox; minus strand). Cytogenetic location: 20q13.13.
Variant type: single nucleotide variant.
Coding change: c.1676A>T on transcript NM_001282531.3 (MANE Select); coding-DNA position 1676, A replaced by T.
Protein change: p.His559Leu; replaces histidine 559 with leucine.
Molecular consequence: missense variant.
Genome position (GRCh38, 1-based): chr20:50,893,038, T>A on the plus strand (A>T on the coding strand, the complement: ADNP is on the minus strand). VCF-style: chr20-50893038-T-A. GRCh37 (hg19) VCF-style: chr20-49509575-T-A.
Other names: c.1676A>T, p.His559Leu (NM_001282532.2, NM_001347511.2, NM_015339.5 and 1 more transcripts); short protein forms H559L.
Identifiers: ClinVar variation 3896245 (VCV003896245.2).

ClinVar aggregate classification (germline): Uncertain significance (1 of 4 stars; one submission).

gnomAD v4.1: 1 of 1,614,100 alleles (0.000062%); highest among the groups gnomAD compares: African/African-American, 0.0013%; no homozygotes.

Submission:

Women's Health and Genetics/Laboratory Corporation of America, LabCorp
Classification: Uncertain significance. Last evaluated: 2025-04-16. Review status: criteria provided, single submitter. Criteria: LabCorp Variant Classification Summary - May 2015. Collection method: clinical testing. Allele origin: germline.
Comment: Variant summary: ADNP c.1676A>T (p.His559Leu) results in a non-conservative amino acid change in the encoded protein sequence. Three of five in-silico tools predict a benign effect of the variant on protein function. The variant was absent in 251348 control chromosomes. The available data on variant occurrences in the general population are insufficient to allow any conclusion about variant significance. To our knowledge, no occurrence of c.1676A>T in individuals affected with ADNP-Related Multiple Congenital Anomalies-Intellectual Disability-Autism Spectrum Disorder and no experimental evidence demonstrating its impact on protein function have been reported. No submitters have cited clinical-significance assessments for this variant to ClinVar. Based on the evidence outlined above, the variant was classified as uncertain significance.